The following is an entry in ClinVar:

NM_198965.2(PTHLH):c.71G>A (p.Gly24Glu)

Gene: PTHLH (parathyroid hormone like hormone; minus strand). Cytogenetic location: 12p11.22.
Variant type: single nucleotide variant.
Coding change: c.71G>A on transcript NM_198965.2 (MANE Select); coding-DNA position 71, G replaced by A.
Protein change: p.Gly24Glu; replaces glycine 24 with glutamic acid.
Molecular consequence: missense variant.
Genome position (GRCh38, 1-based): chr12:27,969,424, C>T on the plus strand (G>A on the coding strand, the complement: PTHLH is on the minus strand). VCF-style: chr12-27969424-C-T. GRCh37 (hg19) VCF-style: chr12-28122357-C-T.
Other names: c.71G>A, p.Gly24Glu (NM_002820.3, NM_198964.2, NM_198966.2); short protein forms G24E.
Identifiers: ClinVar variation 3721114 (VCV003721114.2).

ClinVar aggregate classification (germline): Uncertain significance (1 of 4 stars; one submission).

gnomAD v4.1: 1 of 1,592,520 alleles (0.000063%); highest among the groups gnomAD compares: Admixed American, 0.0017%; no homozygotes.

Submission:

Labcorp Genetics (formerly Invitae), Labcorp
Classification: Uncertain significance. Last evaluated: 2024-10-21. Review status: criteria provided, single submitter. Criteria: Invitae Variant Classification Sherloc (09022015). Collection method: clinical testing. Allele origin: germline.
Comment: This sequence change replaces glycine, which is neutral and non-polar, with glutamic acid, which is acidic and polar, at codon 24 of the PTHLH protein (p.Gly24Glu). This variant is not present in population databases (gnomAD no frequency). This variant has not been reported in the literature in individuals affected with PTHLH-related conditions. An algorithm developed to predict the effect of missense changes on protein structure and function (PolyPhen-2) suggests that this variant is likely to be disruptive. In summary, the available evidence is currently insufficient to determine the role of this variant in disease. Therefore, it has been classified as a Variant of Uncertain Significance.